The following is an entry in ClinVar:

ClinVar aggregate classification (germline): Benign/Likely benign. Review status: criteria provided, multiple submitters, no conflicts (2 of 4 stars). 9 submissions from 9 submitters: Benign (3); Likely benign (4). 2 of the submissions do not count toward it. Last evaluated 2026-01-24.

Conditions:
Nephronophthisis. Also called: Juvenile Nephronophthisis. Identifiers: Orphanet 655, MedGen C0687120, MONDO:0019005, HP:0000090.
Infantile nephronophthisis (NPHP2). Also called: Nephronophthisis 2; Nephronophthisis 2, infantile. Identifiers: Orphanet 655, Orphanet 93591, MedGen C1865872, MONDO:0011190, OMIM 602088.

Allele frequency attached by ClinVar (database versions not stated): ESP Exome Variant Server 0.00146; TOPMed 0.00170; gnomAD 0.00177 and 0.00204; ExAC 0.00269; gnomAD exomes 0.00276; 1000 Genomes Project 30x 0.00328; 1000 Genomes Project 0.00339.
gnomAD v4.1: 4,045 of 1,614,094 alleles (0.25%); highest among the groups gnomAD compares: South Asian, 1.3%; 23 homozygotes.

Submissions (20):

Labcorp Genetics (formerly Invitae), Labcorp
Classification: Benign for Nephronophthisis. Last evaluated: 2026-01-24. Review status: criteria provided, single submitter. Criteria: Invitae Variant Classification Sherloc (09022015). Collection method: clinical testing. Allele origin: germline.

CeGaT Center for Human Genetics Tuebingen
Classification: Benign. Last evaluated: 2025-05-01. Review status: criteria provided, single submitter. Criteria: CeGaT Center For Human Genetics Tuebingen Variant Classification Criteria Version 2. Collection method: clinical testing. Allele origin: germline. Affected: yes. Observed: 1 variant allele.
Comment: INVS: PP3, BS1, BS2

Blueprint Genetics
Classification: Likely benign. Last evaluated: 2024-11-18. Review status: criteria provided, single submitter. Criteria: ACMG Guidelines, 2015. Collection method: clinical testing. Allele origin: germline.

Mayo Clinic Laboratories, Mayo Clinic
Classification: Benign. Last evaluated: 2023-10-06. Review status: criteria provided, single submitter. Criteria: ACMG Guidelines, 2015. Collection method: clinical testing. Allele origin: germline. Observed: 3 variant alleles.
Comment: BA1, BS2, PP3

Illumina Laboratory Services, Illumina
Classification: Likely benign for Infantile nephronophthisis. Last evaluated: 2018-01-13. Review status: criteria provided, single submitter. Criteria: ICSL Variant Classification Criteria 13 December 2019. Collection method: clinical testing. Allele origin: germline.
Comment: This variant was observed in the ICSL laboratory as part of a predisposition screen in an ostensibly healthy population. It had not been previously curated by ICSL or reported in the Human Gene Mutation Database (HGMD: prior to June 1st, 2018), and was therefore a candidate for classification through an automated scoring system. Utilizing variant allele frequency, disease prevalence and penetrance estimates, and inheritance mode, an automated score was calculated to assess if this variant is too frequent to cause the disease. Based on the score and internal cut-off values, a variant classified as likely benign is not then subjected to further curation. The score for this variant resulted in a classification of likely benign for this disease.

Clinical Genetics DNA and cytogenetics Diagnostics Lab, Erasmus MC, Erasmus Medical Center
Classification: Likely benign for Infantile nephronophthisis. Last evaluated: 2017-06-28. Review status: criteria provided, single submitter. Criteria: ACGS Guidelines, 2013. Collection method: clinical testing. Allele origin: germline. Affected: yes. Study: VKGL Data-share Consensus.

PreventionGenetics, part of Exact Sciences
Classification: Likely benign. Review status: criteria provided, single submitter. Criteria: ACMG Guidelines, 2015. Collection method: clinical testing. Allele origin: germline.

Clinical Genetics, Academic Medical Center
Classification: Benign. Review status: no assertion criteria provided. Collection method: clinical testing. Allele origin: germline. Affected: yes. Study: VKGL Data-share Consensus. Not counted in ClinVar's aggregate classification.

Dr. Peter K. Rogan Lab, Western University
No classification provided (evidence only). Condition: Lung cancer. Review status: no classification provided. Collection method: in vitro. Allele origin: not applicable. Functional consequence: retained intron. Not counted in ClinVar's aggregate classification.

Dr. Peter K. Rogan Lab, Western University
No classification provided (evidence only). Condition: Familial cancer of breast. Review status: no classification provided. Collection method: in vitro. Allele origin: not applicable. Functional consequence: skipped exon, retained intron. Not counted in ClinVar's aggregate classification.

Dr. Peter K. Rogan Lab, Western University
No classification provided (evidence only). Condition: Acute myeloid leukemia. Review status: no classification provided. Collection method: in vitro. Allele origin: not applicable. Functional consequence: skipped exon, retained intron. Not counted in ClinVar's aggregate classification.

Dr. Peter K. Rogan Lab, Western University
No classification provided (evidence only). Condition: Colon adenocarcinoma. Review status: no classification provided. Collection method: in vitro. Allele origin: not applicable. Functional consequence: skipped exon, retained intron. Not counted in ClinVar's aggregate classification.

Dr. Peter K. Rogan Lab, Western University
No classification provided (evidence only). Condition: Ovarian serous cystadenocarcinoma. Review status: no classification provided. Collection method: in vitro. Allele origin: not applicable. Functional consequence: retained intron. Not counted in ClinVar's aggregate classification.

Dr. Peter K. Rogan Lab, Western University
No classification provided (evidence only). Condition: Ovarian serous cystadenocarcinoma. Review status: no classification provided. Collection method: in vitro. Allele origin: not applicable. Functional consequence: retained intron. Not counted in ClinVar's aggregate classification.

Dr. Peter K. Rogan Lab, Western University
No classification provided (evidence only). Condition: Ovarian serous cystadenocarcinoma. Review status: no classification provided. Collection method: in vitro. Allele origin: not applicable. Functional consequence: retained intron. Not counted in ClinVar's aggregate classification.

Dr. Peter K. Rogan Lab, Western University
No classification provided (evidence only). Condition: Ovarian serous cystadenocarcinoma. Review status: no classification provided. Collection method: in vitro. Allele origin: not applicable. Functional consequence: retained intron. Not counted in ClinVar's aggregate classification.

Dr. Peter K. Rogan Lab, Western University
No classification provided (evidence only). Condition: Ovarian serous cystadenocarcinoma. Review status: no classification provided. Collection method: in vitro. Allele origin: not applicable. Functional consequence: retained intron. Not counted in ClinVar's aggregate classification.

Dr. Peter K. Rogan Lab, Western University
No classification provided (evidence only). Condition: Gastric cancer. Review status: no classification provided. Collection method: in vitro. Allele origin: not applicable. Functional consequence: retained intron. Not counted in ClinVar's aggregate classification.

Dr. Peter K. Rogan Lab, Western University
No classification provided (evidence only). Condition: Malignant tumor of esophagus. Review status: no classification provided. Collection method: in vitro. Allele origin: not applicable. Functional consequence: skipped exon, retained intron. Not counted in ClinVar's aggregate classification.

Genome Diagnostics Laboratory, University Medical Center Utrecht
Classification: Likely benign. Review status: no assertion criteria provided. Collection method: clinical testing. Allele origin: germline. Affected: yes. Study: VKGL Data-share Consensus. Not counted in ClinVar's aggregate classification.

NM_014425.5(INVS):c.3017-5T>G

Gene: INVS (inversin; plus strand). Cytogenetic location: 9q31.1.
Variant type: single nucleotide variant.
Coding change: c.3017-5T>G on transcript NM_014425.5 (MANE Select); 5 bases into the intron before coding-DNA position 3017, T replaced by G.
Molecular consequence: intron variant.
Genome position (GRCh38, 1-based): chr9:100,297,931, T>G. VCF-style: chr9-100297931-T-G. GRCh37 (hg19) VCF-style: chr9-103060213-T-G.
Other names: p.?; c.2729-5T>G (NM_001318381.2); c.2039-5T>G (NM_001318382.2).
Identifiers: ClinVar variation 260415 (VCV000260415.33), dbSNP rs201018893, ClinGen allele CA5158769.